The following is an entry in ClinVar:

ClinVar aggregate classification (germline): Uncertain significance. Review status: criteria provided, multiple submitters, no conflicts (2 of 4 stars). 4 submissions from 4 submitters: Uncertain significance (4). Last evaluated 2025-12-04.

Conditions:
Inborn genetic diseases. Identifiers: MedGen C0950123, MeSH D030342.
Charcot-Marie-Tooth disease type 4. Also called: Charcot-Marie-Tooth disease, type IV; Charcot-Marie-Tooth, Type 4. Identifiers: Orphanet 64749, MedGen C4082197, MONDO:0018995.

gnomAD v4.1: 15 of 1,614,068 alleles (0.00093%); highest among the groups gnomAD compares: Admixed American, 0.018%; no homozygotes.

Submissions (4):

GeneDx
Classification: Uncertain significance. Last evaluated: 2025-12-04. Review status: criteria provided, single submitter. Criteria: GeneDx Variant Classification Process June 2021. Collection method: clinical testing. Allele origin: germline.
Comment: Not observed at significant frequency in large population cohorts (gnomAD); In silico analysis supports that this missense variant has a deleterious effect on protein structure/function; Has not been previously published as pathogenic or benign to our knowledge

Ambry Genetics
Classification: Uncertain significance for Inborn genetic diseases. Last evaluated: 2024-06-13. Review status: criteria provided, single submitter. Criteria: Ambry Variant Classification Scheme 2023. Collection method: clinical testing. Allele origin: germline.

Blueprint Genetics
Classification: Uncertain significance. Last evaluated: 2023-06-19. Review status: criteria provided, single submitter. Criteria: ACMG Guidelines, 2015. Collection method: clinical testing. Allele origin: germline.

Labcorp Genetics (formerly Invitae), Labcorp
Classification: Uncertain significance for Charcot-Marie-Tooth disease type 4. Last evaluated: 2022-06-26. Review status: criteria provided, single submitter. Criteria: Invitae Variant Classification Sherloc (09022015). Collection method: clinical testing. Allele origin: germline.
Comment: This sequence change replaces arginine, which is basic and polar, with glycine, which is neutral and non-polar, at codon 851 of the SH3TC2 protein (p.Arg851Gly). This variant is present in population databases (no rsID available, gnomAD 0.01%). This variant has not been reported in the literature in individuals affected with SH3TC2-related conditions. Advanced modeling of protein sequence and biophysical properties (such as structural, functional, and spatial information, amino acid conservation, physicochemical variation, residue mobility, and thermodynamic stability) performed at Invitae indicates that this missense variant is not expected to disrupt SH3TC2 protein function. In summary, the available evidence is currently insufficient to determine the role of this variant in disease. Therefore, it has been classified as a Variant of Uncertain Significance.

NM_024577.4(SH3TC2):c.2551C>G (p.Arg851Gly)

Gene: SH3TC2 (SH3 domain and tetratricopeptide repeats 2; minus strand). Cytogenetic location: 5q32.
Variant type: single nucleotide variant.
Coding change: c.2551C>G on transcript NM_024577.4 (MANE Select); coding-DNA position 2551, C replaced by G.
Protein change: p.Arg851Gly; replaces arginine 851 with glycine.
Molecular consequence: missense variant.
Genome position (GRCh38, 1-based): chr5:149,027,181, G>C on the plus strand (C>G on the coding strand, the complement: SH3TC2 is on the minus strand). VCF-style: chr5-149027181-G-C. GRCh37 (hg19) VCF-style: chr5-148406744-G-C.
Other names: short protein forms R851G.
Identifiers: ClinVar variation 2199715 (VCV002199715.5), dbSNP rs144655516, ClinGen allele CA128984029.